The following is an entry in ClinVar:

ClinVar aggregate classification (germline): Benign (3 of 4 stars; one submission).

Conditions:
Breast-ovarian cancer, familial, susceptibility to, 2 (BROVCA2). Also called: BRCA2 Hereditary Breast and Ovarian Cancer. Identifiers: Orphanet 145, MedGen C2675520, MONDO:0012933, OMIM 612555. Disease mechanism: loss of function.

Allele frequency attached by ClinVar (database versions not stated): 1000 Genomes Project 0.00659; gnomAD 0.00755 and 0.00814; 1000 Genomes Project 30x 0.00828; TOPMed 0.00886.
gnomAD v4.1: 1,136 of 152,340 alleles (0.75%); highest among the groups gnomAD compares: African/African-American, 2.6%; 19 homozygotes.

Submission:

Evidence-based Network for the Interpretation of Germline Mutant Alleles (ENIGMA)
Classification: Benign for Breast-ovarian cancer, familial 2. Last evaluated: 2015-01-12. Review status: reviewed by expert panel. Criteria: ENIGMA BRCA1/2 Classification Criteria (2015). Collection method: curation. Allele origin: germline.
Comment: Class 1 not pathogenic based on frequency >1% in an outbred sampleset. Frequency 0.02846 (African), derived from 1000 genomes (2012-04-30).

NM_000059.4(BRCA2):c.316+2827C>T

Gene: BRCA2 (BRCA2 DNA repair associated; plus strand). Cytogenetic location: 13q13.1.
Variant type: single nucleotide variant.
Coding change: c.316+2827C>T on transcript NM_000059.4 (MANE Select); 2827 bases into the intron after coding-DNA position 316, C replaced by T.
Molecular consequence: intron variant.
Genome position (GRCh38, 1-based): chr13:32,322,152, C>T. VCF-style: chr13-32322152-C-T. GRCh37 (hg19) VCF-style: chr13-32896289-C-T.
Other names: IVS 3+2827C>T.
Identifiers: ClinVar variation 209632 (VCV000209632.1), dbSNP rs11571596, ClinGen allele CA276601.
Genomic context (GRCh38, chr13:32,322,152, plus strand): 5'-GCATTATACAGAATAATTTTGCTGCCCTAAAAATCTCCCGAGTTCCACCTGCTCACCCAT[C>T]CCTCCTCCTGAGCCCCTGGCAGCCACTGATCTTTTTACTGTCTGTATAGTTTTGCCTTTT-3'